The following is an entry in ClinVar:

ClinVar aggregate classification (germline): Uncertain significance (1 of 4 stars; one submission).

Allele frequency attached by ClinVar (database versions not stated): ExAC 0.00026.

Submission:

Labcorp Genetics (formerly Invitae), Labcorp
Classification: Uncertain significance. Last evaluated: 2023-05-03. Review status: criteria provided, single submitter. Criteria: Invitae Variant Classification Sherloc (09022015). Collection method: clinical testing. Allele origin: germline.
Comment: This sequence change replaces alanine, which is neutral and non-polar, with proline, which is neutral and non-polar, at codon 480 of the OCA2 protein (p.Ala480Pro). In summary, the available evidence is currently insufficient to determine the role of this variant in disease. Therefore, it has been classified as a Variant of Uncertain Significance. Advanced modeling of protein sequence and biophysical properties (such as structural, functional, and spatial information, amino acid conservation, physicochemical variation, residue mobility, and thermodynamic stability) performed at Invitae indicates that this missense variant is expected to disrupt OCA2 protein function. ClinVar contains an entry for this variant (Variation ID: 1470547). This missense change has been observed in individual(s) with clinical features of oculocutaneous albinism (Invitae). In at least one individual the data is consistent with being in trans (on the opposite chromosome) from a pathogenic variant. The frequency data for this variant in the population databases is considered unreliable, as metrics indicate poor data quality at this position in the gnomAD database.

NM_000275.3(OCA2):c.1438G>C (p.Ala480Pro)

Gene: OCA2 (OCA2 melanosomal transmembrane protein; minus strand). Cytogenetic location: 15q13.1.
Variant type: single nucleotide variant.
Coding change: c.1438G>C on transcript NM_000275.3 (MANE Select); coding-DNA position 1438, G replaced by C.
Protein change: p.Ala480Pro; replaces alanine 480 with proline.
Molecular consequence: missense variant.
Genome position (GRCh38, 1-based): chr15:27,983,410, C>G on the plus strand (G>C on the coding strand, the complement: OCA2 is on the minus strand). VCF-style: chr15-27983410-C-G. GRCh37 (hg19) VCF-style: chr15-28228556-C-G.
Other names: c.1366G>C, p.Ala456Pro (NM_001300984.2); short protein forms A456P, A480P.
Identifiers: ClinVar variation 1470547 (VCV001470547.8), dbSNP rs765246177, ClinGen allele CA7439037.